The following is an entry in ClinVar:

NM_014727.3(KMT2B):c.38C>T (p.Pro13Leu)

Gene: KMT2B (lysine methyltransferase 2B; plus strand). Cytogenetic location: 19q13.12.
Variant type: single nucleotide variant.
Coding change: c.38C>T on transcript NM_014727.3 (MANE Select); coding-DNA position 38, C replaced by T.
Protein change: p.Pro13Leu; replaces proline 13 with leucine.
Molecular consequence: missense variant.
Genome position (GRCh38, 1-based): chr19:35,718,056, C>T. VCF-style: chr19-35718056-C-T. GRCh37 (hg19) VCF-style: chr19-36208958-C-T.
Other names: short protein forms P13L.
Identifiers: ClinVar variation 3572934 (VCV003572934.1).
Genomic context (GRCh38, chr19:35,718,056, plus strand): 5'-CCGGCCCCTCTCACGGTGCCAAGATGGCGGCGGCGGCGGGCGGCGGCAGTTGCCCCGGGC[C>T]TGGCTCCGCGCGGGGCCGCTTCCCGGGCCGGCCGCGGGGCGCCGGCGGGGGCGGGGGCCG-3'
Protein context (NP_055542.1, residues 3-23): AAAGGGSCPG[Pro13Leu]GSARGRFPGR

ClinVar aggregate classification (germline): Uncertain significance (1 of 4 stars; one submission).

Conditions:
Dystonia 28, childhood-onset (DYT28). Also called: KMT2B-Related Dystonia (DYT-KMT2B). Identifiers: Orphanet 589618, MedGen C4310633, MONDO:0015004, OMIM 617284.

gnomAD v4.1: 4 of 986,818 alleles (0.00041%); highest among the groups gnomAD compares: Non-Finnish European, 0.00024%; no homozygotes.

Submission:

Department of Human Genetics, Hannover Medical School
Classification: Uncertain significance for Dystonia 28, childhood-onset. Last evaluated: 2025-01-17. Review status: criteria provided, single submitter. Criteria: ACMG Guidelines, 2015. Collection method: clinical testing. Allele origin: germline. Affected: yes.
Comment: ACMG: PM2_Supporting, BP4